The following is an entry in ClinVar:

ClinVar aggregate classification (germline): Uncertain significance (1 of 4 stars; one submission).

Conditions:
Inborn genetic diseases. Identifiers: MedGen C0950123, MeSH D030342.

gnomAD v4.1: 1 of 1,607,932 alleles (0.000062%); highest among the groups gnomAD compares: South Asian, 0.0011%; no homozygotes.

Submission:

Ambry Genetics
Classification: Uncertain significance for Inborn genetic diseases. Last evaluated: 2026-06-03. Review status: criteria provided, single submitter. Criteria: Ambry Variant Classification Scheme 2023. Collection method: clinical testing. Allele origin: germline.
Comment: The c.724G>A (p.E242K) alteration is located in exon 10 (coding exon 8) of the AKT1 gene. This alteration results from a G to A substitution at nucleotide position 724, causing the glutamic acid (E) at amino acid position 242 to be replaced by a lysine (K). Based on data from gnomAD, the A allele has an overall frequency of <0.001% (1/238224) total alleles studied. The highest observed frequency was 0.003% (1/29228) of South Asian alleles. Based on insufficient or conflicting evidence, the clinical significance of this alteration remains unclear.

NM_001382430.1(AKT1):c.724G>A (p.Glu242Lys)

Gene: AKT1 (AKT serine/threonine kinase 1; minus strand). Cytogenetic location: 14q32.33.
Variant type: single nucleotide variant.
Coding change: c.724G>A on transcript NM_001382430.1 (MANE Select); coding-DNA position 724, G replaced by A.
Protein change: p.Glu242Lys; replaces glutamic acid 242 with lysine.
Molecular consequence: missense variant.
Genome position (GRCh38, 1-based): chr14:104,773,559, C>T on the plus strand (G>A on the coding strand, the complement: AKT1 is on the minus strand). VCF-style: chr14-104773559-C-T. GRCh37 (hg19) VCF-style: chr14-105239896-C-T.
Other names: c.724G>A, p.Glu242Lys (NM_001014431.2, NM_001014432.2, NM_001382431.1 and 3 more transcripts); short protein forms E242K.
Identifiers: ClinVar variation 4869291 (VCV004869291.1).
Genomic context (GRCh38, chr14:104,773,559, plus strand): 5'-CCAGGGCTGACACAATCTCAGCGCCATAGAAGCGGGCCCGGTCCTCGGAGAACACACGCT[C>T]CCGGGACAGGTGGAAGAACAGCTGCGGGAGGCGCAACCTGAGGCACAGCCGTGGCTCGGG-3'
Protein context (NP_001369359.1, residues 232-252): GGELFFHLSR[Glu242Lys]RVFSEDRARF